The following is an entry in ClinVar:

ClinVar aggregate classification (germline): Pathogenic (1 of 4 stars; one submission).

Conditions:
Cardiovascular phenotype. Identifiers: MedGen CN230736.
Hereditary cancer-predisposing syndrome. Also called: Neoplastic Syndromes, Hereditary; Tumor predisposition; Hereditary Cancer Syndrome; Hereditary neoplastic syndrome. Identifiers: Orphanet 140162, MedGen C0027672, MeSH D009386, MONDO:0015356.

Submission:

Ambry Genetics
Classification: Pathogenic for Cardiovascular phenotype; Hereditary cancer-predisposing syndrome. Last evaluated: 2025-10-24. Review status: criteria provided, single submitter. Criteria: Ambry Variant Classification Scheme 2023. Collection method: clinical testing. Allele origin: germline.
Comment: The c.1899_1906delTATTCCTTinsAAATAC pathogenic mutation, located in coding exon 17 of the NF1 gene, results from the deletion of 8 nucleotides and insertion of 6 nucleotides causing a translational frameshift with a predicted alternate stop codon (p.D633Efs*4). This variant is considered to be rare based on population cohorts in the Genome Aggregation Database (gnomAD). This alteration is expected to result in loss of function by premature protein truncation or nonsense-mediated mRNA decay. As such, this alteration is interpreted as a disease-causing mutation.

NM_001042492.3(NF1):c.1899_1906delinsAAATAC (p.Asp633fs)

Gene: NF1 (neurofibromin 1; plus strand). Cytogenetic location: 17q11.2.
Variant type: Indel.
Coding change: c.1899_1906delinsAAATAC on transcript NM_001042492.3 (MANE Select); coding-DNA positions 1899 to 1906, TATTCCTT replaced by AAATAC.
Protein change: p.Asp633fs; shifts the reading frame from aspartic acid 633.
Molecular consequence: frameshift variant.
Genome position (GRCh38, 1-based): chr17:31,225,148-31,225,155, TATTCCTT replaced by AAATAC. VCF-style: chr17-31225148-TATTCCTT-AAATAC. GRCh37 (hg19) VCF-style: chr17-29552166-TATTCCTT-AAATAC.
Other names: c.1899_1906delinsAAATAC, p.Asp633fs (NM_000267.4); short protein forms D633fs.
Identifiers: ClinVar variation 4615764 (VCV004615764.1).